The following is an entry in ClinVar:

NM_001282860.2(GON4L):c.4572A>C (p.Pro1524=)

Gene: GON4L (gon-4 like; minus strand). Cytogenetic location: 1q22.
Variant type: single nucleotide variant.
Coding change: c.4572A>C on transcript NM_001282860.2 (MANE Select); coding-DNA position 4572, A replaced by C.
Protein change: p.Pro1524=; no amino-acid change (proline 1524 retained).
Molecular consequence: synonymous variant.
Genome position (GRCh38, 1-based): chr1:155,763,466, T>G on the plus strand (A>C on the coding strand, the complement: GON4L is on the minus strand). VCF-style: chr1-155763466-T-G. GRCh37 (hg19) VCF-style: chr1-155733257-T-G.
Other names: c.4572A>C, p.Pro1524= (NM_001282856.2, NM_001282858.2).
Identifiers: ClinVar variation 3049298 (VCV003049298.2), dbSNP rs607834, ClinGen allele CA1150392.

ClinVar aggregate classification (germline): Likely benign (0 of 4 stars; one submission).

Conditions:
GON4L-related disorder. Also called: GON4L-related condition.

Allele frequency attached by ClinVar (database versions not stated): gnomAD exomes 0.00015.
gnomAD v4.1: 228 of 1,546,598 alleles (0.015%); highest among the groups gnomAD compares: Admixed American, 0.022%; no homozygotes.

Submission:

PreventionGenetics, part of Exact Sciences
Classification: Likely benign for GON4L-related condition. Last evaluated: 2019-07-15. Review status: no assertion criteria provided. Collection method: clinical testing. Allele origin: germline.
Comment: This variant is classified as likely benign based on ACMG/AMP sequence variant interpretation guidelines (Richards et al. 2015 PMID: 25741868, with internal and published modifications).